The following is an entry in ClinVar:

ClinVar aggregate classification (germline): Uncertain significance (1 of 4 stars; one submission).

Conditions:
Marfan syndrome (MFS). Also called: Marfan syndrome, classic; Marfan syndrome type 1; Marfan's syndrome; MARFAN SYNDROME, TYPE I; FBN1-Related Marfan Syndrome. Identifiers: Orphanet 284963, Orphanet 558, MedGen C0024796, MONDO:0007947, OMIM 154700.
Familial thoracic aortic aneurysm and aortic dissection (TAAD). Also called: Thoracic aortic aneurysms and dissections. Identifiers: Orphanet 91387, MedGen C4707243, MONDO:0019625.

Submission:

Labcorp Genetics (formerly Invitae), Labcorp
Classification: Uncertain significance for Marfan syndrome; Familial thoracic aortic aneurysm and aortic dissection. Last evaluated: 2017-03-06. Review status: criteria provided, single submitter. Criteria: Invitae Variant Classification Sherloc (09022015). Collection method: clinical testing. Allele origin: germline.
Comment: Algorithms developed to predict the effect of missense changes on protein structure and function do not agree on the potential impact of this missense change (SIFT: "Deleterious"; PolyPhen-2: "Probably Damaging"; Align-GVGD: "Class C15"). In summary, this variant is a novel missense change with uncertain impact on protein function. It has been classified as a Variant of Uncertain Significance. This variant is not present in population databases (ExAC no frequency) and has not been reported in the literature in individuals with a FBN1-related disease. This sequence change replaces asparagine with isoleucine at codon 543 of the FBN1 protein (p.Asn543Ile). The asparagine residue is highly conserved and there is a large physicochemical difference between asparagine and isoleucine.

NM_000138.5(FBN1):c.1628A>T (p.Asn543Ile)

Gene: FBN1 (fibrillin 1; minus strand). Cytogenetic location: 15q21.1.
Variant type: single nucleotide variant.
Coding change: c.1628A>T on transcript NM_000138.5 (MANE Select); coding-DNA position 1628, A replaced by T.
Protein change: p.Asn543Ile; replaces asparagine 543 with isoleucine.
Molecular consequence: missense variant.
Genome position (GRCh38, 1-based): chr15:48,510,130, T>A on the plus strand (A>T on the coding strand, the complement: FBN1 is on the minus strand). VCF-style: chr15-48510130-T-A. GRCh37 (hg19) VCF-style: chr15-48802327-T-A.
Other names: short protein forms N543I.
Identifiers: ClinVar variation 406372 (VCV000406372.8), dbSNP rs1060501098, ClinGen allele CA16614670.